The following is an entry in ClinVar:

ClinVar aggregate classification (germline): Likely benign. Review status: criteria provided, multiple submitters, no conflicts (2 of 4 stars). 2 submissions from 2 submitters: Likely benign (2). Last evaluated 2025-10-07.

Conditions:
Prostate cancer, hereditary, 9 (HPC9). Identifiers: Orphanet 1331, MedGen C1970250, MONDO:0012597, OMIM 610997.

Submissions (2):

Labcorp Genetics (formerly Invitae), Labcorp
Classification: Likely benign. Last evaluated: 2025-10-07. Review status: criteria provided, single submitter. Criteria: Invitae Variant Classification Sherloc (09022015). Collection method: clinical testing. Allele origin: germline.

Myriad Genetics, Inc.
Classification: Likely benign for Prostate cancer, hereditary, 9. Last evaluated: 2024-10-30. Review status: criteria provided, single submitter. Criteria: Myriad Autosomal Dominant, Autosomal Recessive and X-Linked Classification Criteria (2023). Collection method: clinical testing. Allele origin: unknown.
Comment: This variant is considered likely benign. This variant is intronic and is not expected to impact mRNA splicing.

NM_006361.6(HOXB13):c.601+7C>A

Gene: HOXB13 (homeobox B13; minus strand). Cytogenetic location: 17q21.32.
Variant type: single nucleotide variant.
Coding change: c.601+7C>A on transcript NM_006361.6 (MANE Select); 7 bases into the intron after coding-DNA position 601, C replaced by A.
Molecular consequence: intron variant.
Genome position (GRCh38, 1-based): chr17:48,727,986, G>T on the plus strand (C>A on the coding strand, the complement: HOXB13 is on the minus strand). VCF-style: chr17-48727986-G-T. GRCh37 (hg19) VCF-style: chr17-46805348-G-T.
Identifiers: ClinVar variation 3772948 (VCV003772948.2).